The following is an entry in ClinVar:

ClinVar aggregate classification (germline): Uncertain significance. Review status: criteria provided, multiple submitters, no conflicts (2 of 4 stars). 3 submissions from 3 submitters: Uncertain significance (3). Last evaluated 2024-07-02.

Conditions:
Inborn genetic diseases. Identifiers: MedGen C0950123, MeSH D030342.

gnomAD v4.1: 12 of 1,614,054 alleles (0.00074%); highest among the groups gnomAD compares: African/African-American, 0.0027%; no homozygotes.

Submissions (3):

Ambry Genetics
Classification: Uncertain significance for Inborn genetic diseases. Last evaluated: 2024-07-02. Review status: criteria provided, single submitter. Criteria: Ambry Variant Classification Scheme 2023. Collection method: clinical testing. Allele origin: germline.

Blueprint Genetics
Classification: Uncertain significance. Last evaluated: 2023-09-28. Review status: criteria provided, single submitter. Criteria: ACMG Guidelines, 2015. Collection method: clinical testing. Allele origin: germline.

Labcorp Genetics (formerly Invitae), Labcorp
Classification: Uncertain significance. Last evaluated: 2023-07-07. Review status: criteria provided, single submitter. Criteria: Invitae Variant Classification Sherloc (09022015). Collection method: clinical testing. Allele origin: germline.
Comment: ClinVar contains an entry for this variant (Variation ID: 1054837). In summary, the available evidence is currently insufficient to determine the role of this variant in disease. Therefore, it has been classified as a Variant of Uncertain Significance. An algorithm developed to predict the effect of missense changes on protein structure and function (PolyPhen-2) suggests that this variant is likely to be disruptive. This variant has not been reported in the literature in individuals affected with CNGA1-related conditions. This variant is present in population databases (no rsID available, gnomAD 0.0009%). This sequence change replaces leucine, which is neutral and non-polar, with phenylalanine, which is neutral and non-polar, at codon 272 of the CNGA1 protein (p.Leu272Phe).

NM_001379270.1(CNGA1):c.804A>T (p.Leu268Phe)

Genes: CNGA1 (cyclic nucleotide gated channel subunit alpha 1; minus strand), LOC101927157 (uncharacterized LOC101927157; plus strand). Cytogenetic location: 4p12.
Variant type: single nucleotide variant.
Coding change: c.804A>T on transcript NM_001379270.1 (MANE Select); coding-DNA position 804, A replaced by T.
Protein change: p.Leu268Phe; replaces leucine 268 with phenylalanine.
Molecular consequence: missense variant.
Genome position (GRCh38, 1-based): chr4:47,937,678, T>A on the plus strand (A>T on the coding strand, the complement: CNGA1 is on the minus strand). VCF-style: chr4-47937678-T-A. GRCh37 (hg19) VCF-style: chr4-47939695-T-A.
Other names: c.816A>T (NM_000087.3); c.804A>T, p.Leu268Phe (NM_000087.5, NM_001142564.2); short protein forms L268F.
Identifiers: ClinVar variation 1054837 (VCV001054837.10), dbSNP rs760868392, ClinGen allele CA356828154.